The following is an entry in ClinVar:

NM_206933.4(USH2A):c.13984C>G (p.Gln4662Glu)

Gene: USH2A (usherin; minus strand). Cytogenetic location: 1q41.
Variant type: single nucleotide variant.
Coding change: c.13984C>G on transcript NM_206933.4 (MANE Select); coding-DNA position 13984, C replaced by G.
Protein change: p.Gln4662Glu; replaces glutamine 4662 with glutamic acid.
Molecular consequence: missense variant.
Genome position (GRCh38, 1-based): chr1:215,671,121, G>C on the plus strand (C>G on the coding strand, the complement: USH2A is on the minus strand). VCF-style: chr1-215671121-G-C. GRCh37 (hg19) VCF-style: chr1-215844463-G-C.
Other names: short protein forms Q4662E.
Identifiers: ClinVar variation 48424 (VCV000048424.18), dbSNP rs41302237, ClinGen allele CA143330.

ClinVar aggregate classification (germline): Benign. Review status: criteria provided, multiple submitters, no conflicts (2 of 4 stars). 7 submissions from 6 submitters: Benign (7). Last evaluated 2026-01-30.

Conditions:
Retinitis pigmentosa 39 (RP39). Identifiers: Orphanet 791, MedGen C3151138, MONDO:0013436, OMIM 613809.
Usher syndrome type 2A. Also called: RETINAL DISEASE IN USHER SYNDROME TYPE IIA, MODIFIER OF; USHER SYNDROME, TYPE IIA. Identifiers: Orphanet 231178, Orphanet 886, MedGen C1848634, MONDO:0010169, OMIM 276901.

Allele frequency attached by ClinVar (database versions not stated): gnomAD exomes 0.00100 and 0.00269; ExAC 0.00321; 1000 Genomes Project 30x 0.00968; 1000 Genomes Project 0.01078; gnomAD 0.01112 and 0.01191; TOPMed 0.01259; ESP Exome Variant Server 0.01376.
gnomAD v4.1: 3,224 of 1,614,074 alleles (0.2%); highest among the groups gnomAD compares: African/African-American, 3.8%; 68 homozygotes.

Submissions (7):

Labcorp Genetics (formerly Invitae), Labcorp
Classification: Benign. Last evaluated: 2026-01-30. Review status: criteria provided, single submitter. Criteria: Invitae Variant Classification Sherloc (09022015). Collection method: clinical testing. Allele origin: germline.

Genome-Nilou Lab
Classification: Benign for Retinitis pigmentosa 39. Last evaluated: 2023-11-04. Review status: criteria provided, single submitter. Criteria: ACMG Guidelines, 2015. Collection method: clinical testing. Allele origin: germline. Affected: no.

Genome-Nilou Lab
Classification: Benign for Usher syndrome type 2A. Last evaluated: 2023-11-04. Review status: criteria provided, single submitter. Criteria: ACMG Guidelines, 2015. Collection method: clinical testing. Allele origin: germline. Affected: no.

Athena Diagnostics
Classification: Benign. Last evaluated: 2018-11-12. Review status: criteria provided, single submitter. Criteria: Athena Diagnostics Criteria. Collection method: clinical testing. Allele origin: germline.

GeneDx
Classification: Benign. Last evaluated: 2018-05-29. Review status: criteria provided, single submitter. Criteria: GeneDx Variant Classification (06012015). Collection method: clinical testing. Allele origin: germline. Affected: yes.
Comment: This variant is considered likely benign or benign based on one or more of the following criteria: it is a conservative change, it occurs at a poorly conserved position in the protein, it is predicted to be benign by multiple in silico algorithms, and/or has population frequency not consistent with disease.

Laboratory for Molecular Medicine, Mass General Brigham Personalized Medicine
Classification: Benign. Last evaluated: 2011-11-03. Review status: criteria provided, single submitter. Criteria: LMM Criteria. Collection method: clinical testing. Allele origin: germline. Observed: 20 variant alleles.
Comment: Gln4662Glu in exon 64 of USH2A: This variant is not expected to have clinical si gnificance because it has been identified in dbSNP in 1.8% (91/5013) control chr omosomes (rs41302237).

Breakthrough Genomics
Classification: Benign. Review status: criteria provided, single submitter. Criteria: ACMG Guidelines, 2015. Collection method: not provided. Allele origin: germline. Inheritance: Autosomal recessive inheritance. Affected: yes.

Literature cited by the submitters: PubMed 20507924 (cited by Athena Diagnostics and Laboratory for Molecular Medicine, Mass General Brigham Personalized Medicine).